The following is an entry in ClinVar:

ClinVar aggregate classification (germline): Uncertain significance (1 of 4 stars; one submission).

Conditions:
Alagille syndrome due to a JAG1 point mutation. Also called: HEPATIC DUCTULAR HYPOPLASIA, SYNDROMATIC; Alagille Syndrome 1; JAG1-Related Alagille Syndrome. Identifiers: Orphanet 261619, Orphanet 52, MedGen C1956125, MONDO:0016862, OMIM 118450.

Submission:

Labcorp Genetics (formerly Invitae), Labcorp
Classification: Uncertain significance for Alagille syndrome due to a JAG1 point mutation. Last evaluated: 2025-05-12. Review status: criteria provided, single submitter. Criteria: Invitae Variant Classification Sherloc (09022015). Collection method: clinical testing. Allele origin: germline.
Comment: This sequence change replaces alanine, which is neutral and non-polar, with serine, which is neutral and polar, at codon 1131 of the JAG1 protein (p.Ala1131Ser). This variant is not present in population databases (gnomAD no frequency). This variant has not been reported in the literature in individuals affected with JAG1-related conditions. ClinVar contains an entry for this variant (Variation ID: 1359647). Invitae Evidence Modeling of protein sequence and biophysical properties (such as structural, functional, and spatial information, amino acid conservation, physicochemical variation, residue mobility, and thermodynamic stability) indicates that this missense variant is not expected to disrupt JAG1 protein function with a negative predictive value of 95%. In summary, the available evidence is currently insufficient to determine the role of this variant in disease. Therefore, it has been classified as a Variant of Uncertain Significance.

NM_000214.3(JAG1):c.3391G>T (p.Ala1131Ser)

Gene: JAG1 (jagged canonical Notch ligand 1; minus strand). Cytogenetic location: 20p12.2.
Variant type: single nucleotide variant.
Coding change: c.3391G>T on transcript NM_000214.3 (MANE Select); coding-DNA position 3391, G replaced by T.
Protein change: p.Ala1131Ser; replaces alanine 1131 with serine.
Molecular consequence: missense variant.
Genome position (GRCh38, 1-based): chr20:10,639,764, C>A on the plus strand (G>T on the coding strand, the complement: JAG1 is on the minus strand). VCF-style: chr20-10639764-C-A. GRCh37 (hg19) VCF-style: chr20-10620412-C-A.
Other names: short protein forms A1131S.
Identifiers: ClinVar variation 1359647 (VCV001359647.8), dbSNP rs769242977, ClinGen allele CA408243125.